The following is an entry in ClinVar:

NM_000081.4(LYST):c.1540C>T (p.Arg514Ter)

Gene: LYST (lysosomal trafficking regulator; minus strand). Cytogenetic location: 1q42.3.
Variant type: single nucleotide variant.
Coding change: c.1540C>T on transcript NM_000081.4 (MANE Select); coding-DNA position 1540, C replaced by T.
Protein change: p.Arg514Ter; replaces arginine 514 with a stop codon.
Molecular consequence: nonsense.
Genome position (GRCh38, 1-based): chr1:235,809,278, G>A on the plus strand (C>T on the coding strand, the complement: LYST is on the minus strand). VCF-style: chr1-235809278-G-A. GRCh37 (hg19) VCF-style: chr1-235972578-G-A.
Other names: c.1540C>T, p.Arg514Ter (NM_001301365.1); short protein forms R514*.
Identifiers: ClinVar variation 65533 (VCV000065533.11), dbSNP rs80338645, ClinGen allele CA344839.

ClinVar aggregate classification (germline): Pathogenic. Review status: criteria provided, multiple submitters, no conflicts (2 of 4 stars). 4 submissions from 4 submitters: Pathogenic (3). 1 of the submissions does not count toward it. Last evaluated 2025-10-18.

Conditions:
Chédiak-Higashi syndrome (CHS). Also called: Chediak-Higashi Syndrome. Identifiers: Orphanet 167, MedGen C0007965, MONDO:0008963, OMIM 214500.

Submissions (4):

Labcorp Genetics (formerly Invitae), Labcorp
Classification: Pathogenic for Chédiak-Higashi syndrome. Last evaluated: 2025-10-18. Review status: criteria provided, single submitter. Criteria: Invitae Variant Classification Sherloc (09022015). Collection method: clinical testing. Allele origin: germline.
Comment: This sequence change creates a premature translational stop signal (p.Arg514*) in the LYST gene. It is expected to result in an absent or disrupted protein product. Loss-of-function variants in LYST are known to be pathogenic (PMID: 9215679, 11857544). This variant is not present in population databases (gnomAD no frequency). This premature translational stop signal has been observed in individuals with Chediak-Higashi syndrome (PMID: 15896657, 28458669). ClinVar contains an entry for this variant (Variation ID: 65533). For these reasons, this variant has been classified as Pathogenic.

Baylor Genetics
Classification: Pathogenic for Chédiak-Higashi syndrome. Last evaluated: 2024-03-07. Review status: criteria provided, single submitter. Criteria: ACMG Guidelines, 2015. Collection method: clinical testing. Allele origin: unknown.

Johns Hopkins Genomics, Johns Hopkins University
Classification: Pathogenic for Chédiak-Higashi syndrome. Last evaluated: 2022-08-04. Review status: criteria provided, single submitter. Criteria: ACMG Guidelines, 2015. Collection method: clinical testing. Allele origin: germline.

GeneReviews
No classification provided. Condition: Chédiak-Higashi syndrome. Review status: no classification provided. Collection method: literature only. Allele origin: germline. Not counted in ClinVar's aggregate classification.

Literature cited by the submitters: PubMed 9215679 (cited by Labcorp Genetics (formerly Invitae), Labcorp); PubMed 11857544 (cited by Labcorp Genetics (formerly Invitae), Labcorp); PubMed 15896657 (cited by Labcorp Genetics (formerly Invitae), Labcorp and Johns Hopkins Genomics, Johns Hopkins University); PubMed 28458669 (cited by Labcorp Genetics (formerly Invitae), Labcorp and Johns Hopkins Genomics, Johns Hopkins University); PubMed 20301751 (cited by Johns Hopkins Genomics, Johns Hopkins University).